The following is an entry in ClinVar:

ClinVar aggregate classification (germline): Uncertain significance (1 of 4 stars; one submission).

Submission:

Labcorp Genetics (formerly Invitae), Labcorp
Classification: Uncertain significance. Last evaluated: 2024-11-03. Review status: criteria provided, single submitter. Criteria: Invitae Variant Classification Sherloc (09022015). Collection method: clinical testing. Allele origin: germline.
Comment: This variant, c.3885_3899del, results in the deletion of 5 amino acid(s) of the BRD4 protein (p.Gln1296_Gln1300del), but otherwise preserves the integrity of the reading frame. The frequency data for this variant in the population databases is considered unreliable, as metrics indicate poor data quality at this position in the gnomAD database. This variant has not been reported in the literature in individuals affected with BRD4-related conditions. Experimental studies and prediction algorithms are not available or were not evaluated, and the functional significance of this variant is currently unknown. In summary, the available evidence is currently insufficient to determine the role of this variant in disease. Therefore, it has been classified as a Variant of Uncertain Significance.

NM_001379291.1(BRD4):c.3885_3899del (p.Gln1296_Gln1300del)

Gene: BRD4 (bromodomain containing 4; minus strand). Cytogenetic location: 19p13.12.
Variant type: Deletion.
Coding change: c.3885_3899del on transcript NM_001379291.1 (MANE Select); coding-DNA positions 3885 to 3899, 15 bases deleted (GCAGCAGCAACAGCA).
Protein change: p.Gln1296_Gln1300del.
Genome position (GRCh38, 1-based): chr19:15,238,864-15,238,878, TGCTGTTGCTGCTGC deleted on the plus strand (GCAGCAGCAACAGCA on the coding strand, the reverse complement: BRD4 is on the minus strand); deleting any 15 consecutive bases within chr19:15,238,864-15,238,888 gives the same sequence; the c. name uses the placement nearest the transcript's 3' end. VCF-style (leftmost placement, unchanged base first): chr19-15238863-TTGCTGTTGCTGCTGC-T. GRCh37 (hg19) VCF-style: chr19-15349674-TTGCTGTTGCTGCTGC-T.
Other names: c.3885_3899del, p.Gln1296_Gln1300del (NM_058243.3).
Identifiers: ClinVar variation 3697395 (VCV003697395.2).